The following is an entry in ClinVar:

ClinVar aggregate classification (germline): Uncertain significance (1 of 4 stars; one submission).

gnomAD v4.1: 1 of 1,614,188 alleles (0.000062%); highest among the groups gnomAD compares: Non-Finnish European, 0.000085%; no homozygotes.

Submission:

Labcorp Genetics (formerly Invitae), Labcorp
Classification: Uncertain significance. Last evaluated: 2024-07-08. Review status: criteria provided, single submitter. Criteria: Invitae Variant Classification Sherloc (09022015). Collection method: clinical testing. Allele origin: germline.
Comment: This sequence change replaces glycine, which is neutral and non-polar, with alanine, which is neutral and non-polar, at codon 2913 of the COL7A1 protein (p.Gly2913Ala). This variant is not present in population databases (gnomAD no frequency). This variant has not been reported in the literature in individuals affected with COL7A1-related conditions. Advanced modeling of protein sequence and biophysical properties (such as structural, functional, and spatial information, amino acid conservation, physicochemical variation, residue mobility, and thermodynamic stability) performed at Invitae indicates that this missense variant is not expected to disrupt COL7A1 protein function with a negative predictive value of 95%. Algorithms developed to predict the effect of sequence changes on RNA splicing suggest that this variant may create or strengthen a splice site. In summary, the available evidence is currently insufficient to determine the role of this variant in disease. Therefore, it has been classified as a Variant of Uncertain Significance.

NM_000094.4(COL7A1):c.8738G>C (p.Gly2913Ala)

Gene: COL7A1 (collagen type VII alpha 1 chain; minus strand). Cytogenetic location: 3p21.31.
Variant type: single nucleotide variant.
Coding change: c.8738G>C on transcript NM_000094.4 (MANE Select); coding-DNA position 8738, G replaced by C.
Protein change: p.Gly2913Ala; replaces glycine 2913 with alanine.
Molecular consequence: missense variant.
Genome position (GRCh38, 1-based): chr3:48,564,863, C>G on the plus strand (G>C on the coding strand, the complement: COL7A1 is on the minus strand). VCF-style: chr3-48564863-C-G. GRCh37 (hg19) VCF-style: chr3-48602296-C-G.
Other names: short protein forms G2913A.
Identifiers: ClinVar variation 3673320 (VCV003673320.2).